The following is an entry in ClinVar:

NM_024596.5(MCPH1):c.61A>G (p.Thr21Ala)

Gene: MCPH1 (microcephalin 1; plus strand). Cytogenetic location: 8p23.1.
Variant type: single nucleotide variant.
Coding change: c.61A>G on transcript NM_024596.5 (MANE Select); coding-DNA position 61, A replaced by G.
Protein change: p.Thr21Ala; replaces threonine 21 with alanine.
Molecular consequence: missense variant. On other transcripts: 5 prime UTR variant (1), non-coding transcript variant (1).
Genome position (GRCh38, 1-based): chr8:6,409,317, A>G. VCF-style: chr8-6409317-A-G. GRCh37 (hg19) VCF-style: chr8-6266838-A-G.
Other names: c.61A>G, p.Thr21Ala (NM_001172574.2, NM_001172575.2, NM_001322042.2 and 2 more transcripts); c.55A>G, p.Thr19Ala (NM_001322043.2); c.-42A>G (NM_001322045.2); short protein forms T21A, T19A.
Identifiers: ClinVar variation 1505784 (VCV001505784.3), dbSNP rs537115782, ClinGen allele CA4610026.

ClinVar aggregate classification (germline): Uncertain significance (1 of 4 stars; one submission).

Allele frequency attached by ClinVar (database versions not stated): TOPMed below 0.00001; gnomAD 0.00001; gnomAD exomes 0.00001 and 0.00003; ExAC 0.00002; 1000 Genomes Project 30x 0.00016; 1000 Genomes Project 0.00040.
gnomAD v4.1: 8 of 1,614,144 alleles (0.0005%); highest among the groups gnomAD compares: Admixed American, 0.0067%; no homozygotes.

Submission:

Labcorp Genetics (formerly Invitae), Labcorp
Classification: Uncertain significance. Last evaluated: 2022-08-21. Review status: criteria provided, single submitter. Criteria: Invitae Variant Classification Sherloc (09022015). Collection method: clinical testing. Allele origin: germline.
Comment: This sequence change replaces threonine, which is neutral and polar, with alanine, which is neutral and non-polar, at codon 21 of the MCPH1 protein (p.Thr21Ala). This variant is present in population databases (rs537115782, gnomAD 0.01%). This variant has not been reported in the literature in individuals affected with MCPH1-related conditions. ClinVar contains an entry for this variant (Variation ID: 1505784). Algorithms developed to predict the effect of missense changes on protein structure and function output the following: SIFT: "Not Available"; PolyPhen-2: "Probably Damaging"; Align-GVGD: "Not Available". The alanine amino acid residue is found in multiple mammalian species, which suggests that this missense change does not adversely affect protein function. In summary, the available evidence is currently insufficient to determine the role of this variant in disease. Therefore, it has been classified as a Variant of Uncertain Significance.